The following is an entry in ClinVar:

ClinVar aggregate classification (germline): Uncertain significance (1 of 4 stars; one submission).

Conditions:
Inborn genetic diseases. Identifiers: MedGen C0950123, MeSH D030342.

Allele frequency attached by ClinVar (database versions not stated): gnomAD exomes below 0.00001; gnomAD 0.00001; TOPMed 0.00002.
gnomAD v4.1: 3 of 1,613,900 alleles (0.00019%); highest among the groups gnomAD compares: African/African-American, 0.0027%; no homozygotes.

Submission:

Ambry Genetics
Classification: Uncertain significance for Inborn genetic diseases. Last evaluated: 2020-08-04. Review status: criteria provided, single submitter. Criteria: Ambry Variant Classification Scheme 2023. Collection method: clinical testing. Allele origin: germline.
Comment: The p.I647V variant (also known as c.1939A>G), located in coding exon 19 of the MORC2 gene, results from an A to G substitution at nucleotide position 1939. The isoleucine at codon 647 is replaced by valine, an amino acid with highly similar properties. This amino acid position is not well conserved in available vertebrate species. In addition, this alteration is predicted to be tolerated by in silico analysis. Since supporting evidence is limited at this time, the clinical significance of this alteration remains unclear.

NM_001303256.3(MORC2):c.1939A>G (p.Ile647Val)

Gene: MORC2 (MORC family CW-type zinc finger 2; minus strand). Cytogenetic location: 22q12.2.
Variant type: single nucleotide variant.
Coding change: c.1939A>G on transcript NM_001303256.3 (MANE Select); coding-DNA position 1939, A replaced by G.
Protein change: p.Ile647Val; replaces isoleucine 647 with valine.
Molecular consequence: missense variant.
Genome position (GRCh38, 1-based): chr22:30,935,035, T>C on the plus strand (A>G on the coding strand, the complement: MORC2 is on the minus strand). VCF-style: chr22-30935035-T-C. GRCh37 (hg19) VCF-style: chr22-31331022-T-C.
Other names: c.1939A>G, p.Ile647Val (NM_001303257.2); c.1753A>G, p.Ile585Val (NM_014941.3); short protein forms I585V, I647V.
Identifiers: ClinVar variation 1783011 (VCV001783011.2), dbSNP rs1477506756, ClinGen allele CA411235222.